The following is an entry in ClinVar:

ClinVar aggregate classification (germline): Likely benign. Review status: criteria provided, multiple submitters, no conflicts (2 of 4 stars). 4 submissions from 4 submitters: Likely benign (4). Last evaluated 2026-05-01.

Conditions:
Cardiovascular phenotype. Identifiers: MedGen CN230736.
Glycogen storage disease, type II (IOPD). Also called: Deficiency of alpha-glucosidase; Deficiency of lysosomal alpha-glucosidase; Glycogen storage disease type 2; Acid maltase deficiency disease; Aglucosidase alfa; CARDIOMEGALIA GLYCOGENICA DIFFUSA. Identifiers: Orphanet 365, MedGen C0017921, MONDO:0009290, OMIM 232300.
GAA-related disorder. Also called: GAA-related condition.

Allele frequency attached by ClinVar (database versions not stated): gnomAD exomes below 0.00001 and 0.00003; ExAC 0.00001; TOPMed 0.00001; gnomAD 0.00002; ESP Exome Variant Server 0.00008.
gnomAD v4.1: 38 of 1,581,000 alleles (0.0024%); highest among the groups gnomAD compares: Non-Finnish European, 0.0033%; no homozygotes.

Submissions (4):

CeGaT Center for Human Genetics Tuebingen
Classification: Likely benign. Last evaluated: 2026-05-01. Review status: criteria provided, single submitter. Criteria: CeGaT Center For Human Genetics Tuebingen Variant Classification Criteria Version 2. Collection method: clinical testing. Allele origin: germline. Affected: yes. Observed: 1 variant allele.
Comment: GAA: BP4, BP7

Labcorp Genetics (formerly Invitae), Labcorp
Classification: Likely benign for Glycogen storage disease, type II. Last evaluated: 2026-01-28. Review status: criteria provided, single submitter. Criteria: Invitae Variant Classification Sherloc (09022015). Collection method: clinical testing. Allele origin: germline.

PreventionGenetics, part of Exact Sciences
Classification: Likely benign for GAA-related condition. Last evaluated: 2025-01-31. Review status: criteria provided, single submitter. Criteria: ACMG Guidelines, 2015. Collection method: clinical testing. Allele origin: germline.
Comment: This variant is classified as likely benign based on ACMG/AMP sequence variant interpretation guidelines (Richards et al. 2015 PMID: 25741868, with internal and published modifications).

Ambry Genetics
Classification: Likely benign for Cardiovascular phenotype. Last evaluated: 2024-02-24. Review status: criteria provided, single submitter. Criteria: Ambry Variant Classification Scheme 2023. Collection method: clinical testing. Allele origin: germline.

NM_000152.5(GAA):c.2610A>G (p.Arg870=)

Gene: GAA (alpha glucosidase; plus strand). Cytogenetic location: 17q25.3.
Variant type: single nucleotide variant.
Coding change: c.2610A>G on transcript NM_000152.5 (MANE Select); coding-DNA position 2610, A replaced by G.
Protein change: p.Arg870=; no amino-acid change (arginine 870 retained).
Molecular consequence: synonymous variant.
Genome position (GRCh38, 1-based): chr17:80,118,321, A>G. VCF-style: chr17-80118321-A-G. GRCh37 (hg19) VCF-style: chr17-78092120-A-G.
Other names: c.2610A>G, p.Arg870= (NM_001079803.3, NM_001079804.3); c.2610A>G (NM_000152.3, NM_000152.4).
Identifiers: ClinVar variation 1158069 (VCV001158069.13), dbSNP rs375831200, ClinGen allele CA8815796.